The following is an entry in ClinVar:

NM_003500.4(ACOX2):c.1422C>T (p.Val474=)

Gene: ACOX2 (acyl-CoA oxidase 2; minus strand). Cytogenetic location: 3p14.3.
Variant type: single nucleotide variant.
Coding change: c.1422C>T on transcript NM_003500.4 (MANE Select); coding-DNA position 1422, C replaced by T.
Protein change: p.Val474=; no amino-acid change (valine 474 retained).
Molecular consequence: synonymous variant.
Genome position (GRCh38, 1-based): chr3:58,524,530, G>A on the plus strand (C>T on the coding strand, the complement: ACOX2 is on the minus strand). VCF-style: chr3-58524530-G-A. GRCh37 (hg19) VCF-style: chr3-58510257-G-A.
Other names: c.1422C>T (NM_003500.3).
Identifiers: ClinVar variation 2969599 (VCV002969599.5), dbSNP rs573978562, ClinGen allele CA2472071.

ClinVar aggregate classification (germline): Likely benign. Review status: criteria provided, single submitter (1 of 4 stars). 2 submissions from 2 submitters: Likely benign (1). 1 of the submissions does not count toward it. Last evaluated 2025-03-10.

Conditions:
ACOX2-related disorder. Also called: ACOX2-related condition.

Allele frequency attached by ClinVar (database versions not stated): ExAC 0.00004; 1000 Genomes Project 0.00020; TOPMed 0.00001; 1000 Genomes Project 30x 0.00016; gnomAD 0.00001.
gnomAD v4.1: 48 of 1,614,176 alleles (0.003%); highest among the groups gnomAD compares: East Asian, 0.025%; no homozygotes.

Submissions (2):

Labcorp Genetics (formerly Invitae), Labcorp
Classification: Likely benign. Last evaluated: 2025-03-10. Review status: criteria provided, single submitter. Criteria: Invitae Variant Classification Sherloc (09022015). Collection method: clinical testing. Allele origin: germline.

PreventionGenetics, part of Exact Sciences
Classification: Likely benign for ACOX2-related condition. Last evaluated: 2022-03-22. Review status: no assertion criteria provided. Collection method: clinical testing. Allele origin: germline. Not counted in ClinVar's aggregate classification.
Comment: This variant is classified as likely benign based on ACMG/AMP sequence variant interpretation guidelines (Richards et al. 2015 PMID: 25741868, with internal and published modifications).